The following is an entry in ClinVar:

NM_152309.3(PIK3AP1):c.969AGA[2] (p.Glu325del)

Gene: PIK3AP1 (phosphoinositide-3-kinase adaptor protein 1; minus strand). Cytogenetic location: 10q24.1.
Variant type: Microsatellite.
Coding change: c.969AGA[2] on transcript NM_152309.3 (MANE Select); two copies in a row of the 3-base unit AGA starting at c.969; the reference has three copies in a row; one copy, 3 bases deleted.
Protein change: p.Glu325del; deletes glutamic acid 325.
Molecular consequence: inframe deletion.
Genome position (GRCh38, 1-based): chr10:96,651,259-96,651,261, TCT deleted on the plus strand (AGA on the coding strand, the reverse complement: PIK3AP1 is on the minus strand); deleting any 3 consecutive bases within chr10:96,651,259-96,651,269 gives the same sequence; the position shown is the placement nearest the transcript's 3' end. VCF-style (leftmost placement, unchanged base first): chr10-96651258-ATCT-A. GRCh37 (hg19) VCF-style: chr10-98411015-ATCT-A.
Other names: short protein forms E325del.
Identifiers: ClinVar variation 4710978 (VCV004710978.1).
Genomic context (GRCh38, chr10:96,651,258, plus strand): 5'-AGGCTAGAATCAGCCCACGTTGGTTTCCTGAGGTTTGACTGTCAACTTACTTGTCATCAT[ATCT>A]TCTTCTTCCAGCTGGTTGATTCCAAAGAGGTGCAGTCCGCTTGCAGGGATATTGTTCTTC-3'

ClinVar aggregate classification (germline): Uncertain significance (1 of 4 stars; one submission).

Conditions:
Infantile spasms. Also called: Infantile spasm. Identifiers: MedGen C3887898, HP:0012469.

Submission:

Labcorp Genetics (formerly Invitae), Labcorp
Classification: Uncertain significance for Infantile spasms. Last evaluated: 2025-04-23. Review status: criteria provided, single submitter. Criteria: Invitae Variant Classification Sherloc (09022015). Collection method: clinical testing. Allele origin: germline.
Comment: This variant, c.975_977del, results in the deletion of 1 amino acid(s) of the PIK3AP1 protein (p.Glu325del), but otherwise preserves the integrity of the reading frame. This variant is present in population databases (rs748891605, gnomAD 0.0009%). This variant has not been reported in the literature in individuals affected with PIK3AP1-related conditions. Experimental studies and prediction algorithms are not available or were not evaluated, and the functional significance of this variant is currently unknown. In summary, the available evidence is currently insufficient to determine the role of this variant in disease. Therefore, it has been classified as a Variant of Uncertain Significance.